The following is an entry in ClinVar:

NM_001104631.2(PDE4D):c.667G>A (p.Val223Met)

Gene: PDE4D (phosphodiesterase 4D; minus strand). Cytogenetic location: 5q11.2.
Variant type: single nucleotide variant.
Coding change: c.667G>A on transcript NM_001104631.2 (MANE Select); coding-DNA position 667, G replaced by A.
Protein change: p.Val223Met; replaces valine 223 with methionine.
Molecular consequence: missense variant. On other transcripts: 5 prime UTR variant (3).
Genome position (GRCh38, 1-based): chr5:59,193,517, C>T on the plus strand (G>A on the coding strand, the complement: PDE4D is on the minus strand). VCF-style: chr5-59193517-C-T. GRCh37 (hg19) VCF-style: chr5-58489343-C-T.
Other names: c.484G>A, p.Val162Met (NM_001165899.2, NM_001364599.1, NM_001364600.2); c.475G>A, p.Val159Met (NM_001197218.2, NM_001364602.2); c.301G>A, p.Val101Met (NM_001197219.2); c.277G>A, p.Val93Met (NM_001197220.2); c.454G>A, p.Val152Met (NM_001349241.2); c.337G>A, p.Val113Met (NM_001349242.2); c.-28G>A (NM_001349243.2, NM_001364604.1); c.-284G>A (NM_001364603.1); and 1 more; short protein forms V101M, V113M, V162M, V159M, V93M, V223M, V87M, V152M.
Identifiers: ClinVar variation 4055897 (VCV004055897.2).
Genomic context (GRCh38, chr5:59,193,517, plus strand): 5'-TTACATCTGTGAGAAACCTGCCCATTCACCAAGCTGTGCTTACCTGAGCAAATGGAGTCA[C>T]AATCAAGTCATCTCCGTGTCTGAAAAATAAACCAAATCCCGCATTAGAAATCATCAATAA-3'
Protein context (NP_001098101.1, residues 213-233): ASDIHGDDLI[Val223Met]TPFAQVLASL

ClinVar aggregate classification (germline): Uncertain significance. Review status: criteria provided, multiple submitters, no conflicts (2 of 4 stars). 2 submissions from 2 submitters: Uncertain significance (2). Last evaluated 2025-02-26.

Conditions:
PDE4D-related disorder. Also called: PDE4D-related condition.

Submissions (2):

PreventionGenetics, part of Exact Sciences
Classification: Uncertain significance for PDE4D-related condition. Last evaluated: 2025-02-26. Review status: criteria provided, single submitter. Criteria: ACMG Guidelines, 2015. Collection method: clinical testing. Allele origin: germline.
Comment: The PDE4D c.667G>A variant is predicted to result in the amino acid substitution p.Val223Met. To our knowledge, this variant has not been reported in the literature or in a large population database (gnomAD), indicating this variant is rare. At this time, the clinical significance of this variant is uncertain due to the absence of conclusive functional and genetic evidence.

GeneDx
Classification: Uncertain significance. Last evaluated: 2025-01-03. Review status: criteria provided, single submitter. Criteria: GeneDx Variant Classification Process June 2021. Collection method: clinical testing. Allele origin: germline. Affected: yes.
Comment: Not observed at significant frequency in large population cohorts (gnomAD); In silico analysis supports that this missense variant has a deleterious effect on protein structure/function; Has not been previously published as pathogenic or benign to our knowledge